The following is an entry in ClinVar:

ClinVar aggregate classification (germline): Uncertain significance. Review status: criteria provided, multiple submitters, no conflicts (2 of 4 stars). 4 submissions from 4 submitters: Uncertain significance (4). Last evaluated 2025-12-15.

Conditions:
Hereditary cancer-predisposing syndrome. Also called: Neoplastic Syndromes, Hereditary; Hereditary Cancer Syndrome; Tumor predisposition; Hereditary neoplastic syndrome. Identifiers: Orphanet 140162, MedGen C0027672, MeSH D009386, MONDO:0015356.
Ataxia-telangiectasia syndrome (AT). Also called: LOUIS-BAR SYNDROME; Cerebello-oculocutaneous telangiectasia; Immunodeficiency with ataxia telangiectasia; Ataxia-telangiectasia, complementation group D; AT, COMPLEMENTATION GROUP C; Ataxia-telangiectasia, complementation group E. Identifiers: Orphanet 100, MedGen C0004135, MONDO:0008840, OMIM 208900.

Allele frequency attached by ClinVar (database versions not stated): gnomAD 0.00001.
gnomAD v4.1: 12 of 1,612,064 alleles (0.00074%); highest among the groups gnomAD compares: Non-Finnish European, 0.001%; no homozygotes.

Submissions (4):

Ambry Genetics
Classification: Uncertain significance for Hereditary cancer-predisposing syndrome. Last evaluated: 2025-12-15. Review status: criteria provided, single submitter. Criteria: Ambry Variant Classification Scheme 2023. Collection method: clinical testing. Allele origin: germline.
Comment: The p.K2749R variant (also known as c.8246A>G), located in coding exon 55 of the ATM gene, results from an A to G substitution at nucleotide position 8246. The lysine at codon 2749 is replaced by arginine, an amino acid with highly similar properties. In an assay testing ATM function, this variant showed a functionally normal result (Lee KS et al. Cell, 2025 Sep;188:5081-5099.e27). This amino acid position is highly conserved in available vertebrate species. In addition, the in silico prediction for this alteration is inconclusive. Based on the available evidence, the clinical significance of this variant remains unclear.

Color Diagnostics, LLC DBA Color Health
Classification: Uncertain significance for Hereditary cancer-predisposing syndrome. Last evaluated: 2024-05-14. Review status: criteria provided, single submitter. Criteria: ACMG Guidelines, 2015. Collection method: clinical testing. Allele origin: germline.
Comment: This missense variant replaces lysine with arginine at codon 2749 of the ATM protein. Computational prediction is inconclusive regarding the impact of this variant on protein structure and function. To our knowledge, functional studies have not been reported for this variant. This variant has not been reported in individuals affected with ATM-related disorders in the literature. This variant has been identified in 1/31388 chromosomes in the general population by the Genome Aggregation Database (gnomAD). The available evidence is insufficient to determine the role of this variant in disease conclusively. Therefore, this variant is classified as a Variant of Uncertain Significance.

Labcorp Genetics (formerly Invitae), Labcorp
Classification: Uncertain significance for Ataxia-telangiectasia syndrome. Last evaluated: 2024-02-23. Review status: criteria provided, single submitter. Criteria: Invitae Variant Classification Sherloc (09022015). Collection method: clinical testing. Allele origin: germline.
Comment: This sequence change replaces lysine, which is basic and polar, with arginine, which is basic and polar, at codon 2749 of the ATM protein (p.Lys2749Arg). This variant is present in population databases (rs779145081, gnomAD 0.0008%). This variant has not been reported in the literature in individuals affected with ATM-related conditions. ClinVar contains an entry for this variant (Variation ID: 407546). An algorithm developed to predict the effect of missense changes on protein structure and function (PolyPhen-2) suggests that this variant is likely to be disruptive. In summary, the available evidence is currently insufficient to determine the role of this variant in disease. Therefore, it has been classified as a Variant of Uncertain Significance.

GeneDx
Classification: Uncertain significance. Last evaluated: 2023-11-02. Review status: criteria provided, single submitter. Criteria: GeneDx Variant Classification Process June 2021. Collection method: clinical testing. Allele origin: germline. Affected: yes.
Comment: Not observed at significant frequency in large population cohorts (gnomAD); In silico analysis supports that this missense variant does not alter protein structure/function; Has not been previously published as pathogenic or benign to our knowledge; This variant is associated with the following publications: (PMID: 23532176, 30287823)

NM_000051.4(ATM):c.8246A>G (p.Lys2749Arg)

Genes: C11orf65 (chromosome 11 open reading frame 65; minus strand), ATM (ATM serine/threonine kinase; plus strand). Cytogenetic location: 11q22.3.
Variant type: single nucleotide variant.
Coding change: c.8246A>G on transcript NM_000051.4 (MANE Select); coding-DNA position 8246, A replaced by G.
Protein change: p.Lys2749Arg; replaces lysine 2749 with arginine.
Molecular consequence: missense variant. On other transcripts: intron variant (2).
Genome position (GRCh38, 1-based): chr11:108,335,939, A>G. VCF-style: chr11-108335939-A-G. GRCh37 (hg19) VCF-style: chr11-108206666-A-G.
Other names: c.641-26868T>C (NM_001330368.2); c.695-647T>C (NM_001351110.2); c.8246A>G, p.Lys2749Arg (NM_001351834.2); short protein forms K2749R.
Identifiers: ClinVar variation 407546 (VCV000407546.17), dbSNP rs779145081, ClinGen allele CA6266323.